The following is an entry in ClinVar:

NM_025114.4(CEP290):c.6571C>G (p.His2191Asp)

Gene: CEP290 (centrosomal protein 290; minus strand). Cytogenetic location: 12q21.32.
Variant type: single nucleotide variant.
Coding change: c.6571C>G on transcript NM_025114.4 (MANE Select); coding-DNA position 6571, C replaced by G.
Protein change: p.His2191Asp; replaces histidine 2191 with aspartic acid.
Molecular consequence: missense variant.
Genome position (GRCh38, 1-based): chr12:88,059,972, G>C on the plus strand (C>G on the coding strand, the complement: CEP290 is on the minus strand). VCF-style: chr12-88059972-G-C. GRCh37 (hg19) VCF-style: chr12-88453749-G-C.
Other names: c.6571C>G (NM_025114.3); short protein forms H2191D.
Identifiers: ClinVar variation 1489455 (VCV001489455.10), dbSNP rs769798212, ClinGen allele CA6711472.

ClinVar aggregate classification (germline): Uncertain significance. Review status: criteria provided, multiple submitters, no conflicts (2 of 4 stars). 5 submissions from 5 submitters: Uncertain significance (4). 1 of the submissions does not count toward it. Last evaluated 2023-10-13.

Conditions:
CEP290-related disorder. Also called: CEP290-related condition; CEP290-related disorders. Identifiers: MedGen CN239314.
Meckel-Gruber syndrome. Also called: DYSENCEPHALIA SPLANCHNOCYSTICA; GRUBER SYNDROME; Dysencephalia splachnocystica. Identifiers: Orphanet 564, MedGen C0265215, MONDO:0018921.
Joubert syndrome. Also called: JOUBERT-BOLTSHAUSER SYNDROME; Familial aplasia of the vermis. Identifiers: Orphanet 475, MedGen C5979921, MONDO:0018772.
Nephronophthisis. Also called: Juvenile Nephronophthisis. Identifiers: Orphanet 655, MedGen C0687120, MONDO:0019005, HP:0000090.
Leber congenital amaurosis 10 (LCA10). Identifiers: Orphanet 65, MedGen C1857821, MONDO:0012723, OMIM 611755.
Meckel syndrome, type 4 (MKS4). Also called: MECKEL-GRUBER SYNDROME, TYPE 4. Identifiers: Orphanet 564, MedGen C1970161, MONDO:0012626, OMIM 611134.
Bardet-Biedl syndrome 14 (BBS14). Identifiers: Orphanet 110, MedGen C2673874, MONDO:0014442, OMIM 615991.
Senior-Loken syndrome 6 (SLSN6). Identifiers: Orphanet 3156, MedGen C1857779, MONDO:0012433, OMIM 610189.
Joubert syndrome 5 (JBTS5). Identifiers: Orphanet 2318, MedGen C1857780, MONDO:0012432, OMIM 610188.

Allele frequency attached by ClinVar (database versions not stated): gnomAD exomes 0.00001; TOPMed 0.00001; gnomAD 0.00002.
gnomAD v4.1: 19 of 1,584,954 alleles (0.0012%); highest among the groups gnomAD compares: Non-Finnish European, 0.0016%; no homozygotes.

Submissions (5):

Labcorp Genetics (formerly Invitae), Labcorp
Classification: Uncertain significance for Joubert syndrome; Meckel-Gruber syndrome; Nephronophthisis. Last evaluated: 2023-10-13. Review status: criteria provided, single submitter. Criteria: Invitae Variant Classification Sherloc (09022015). Collection method: clinical testing. Allele origin: germline.
Comment: This sequence change replaces histidine, which is basic and polar, with aspartic acid, which is acidic and polar, at codon 2191 of the CEP290 protein (p.His2191Asp). This variant is present in population databases (rs769798212, gnomAD 0.0009%). This variant has not been reported in the literature in individuals affected with CEP290-related conditions. ClinVar contains an entry for this variant (Variation ID: 1489455). Advanced modeling of protein sequence and biophysical properties (such as structural, functional, and spatial information, amino acid conservation, physicochemical variation, residue mobility, and thermodynamic stability) performed at Invitae indicates that this missense variant is not expected to disrupt CEP290 protein function. In summary, the available evidence is currently insufficient to determine the role of this variant in disease. Therefore, it has been classified as a Variant of Uncertain Significance.

GeneDx
Classification: Uncertain significance. Last evaluated: 2022-12-02. Review status: criteria provided, single submitter. Criteria: GeneDx Variant Classification Process June 2021. Collection method: clinical testing. Allele origin: germline. Affected: yes.
Comment: Not observed at significant frequency in large population cohorts (gnomAD); In silico analysis supports that this missense variant does not alter protein structure/function; Has not been previously published as pathogenic or benign to our knowledge

Blueprint Genetics
Classification: Uncertain significance. Last evaluated: 2022-10-10. Review status: criteria provided, single submitter. Criteria: ACMG Guidelines, 2015. Collection method: clinical testing. Allele origin: germline.

Fulgent Genetics
Classification: Uncertain significance for Joubert syndrome 5; Senior-Loken syndrome 6; Meckel syndrome, type 4; Leber congenital amaurosis 10; Bardet-Biedl syndrome 14. Last evaluated: 2022-03-25. Review status: criteria provided, single submitter. Criteria: ACMG Guidelines, 2015. Collection method: clinical testing. Allele origin: unknown.

PreventionGenetics, part of Exact Sciences
Classification: Uncertain significance for CEP290-related condition. Last evaluated: 2024-02-23. Review status: no assertion criteria provided. Collection method: clinical testing. Allele origin: germline. Not counted in ClinVar's aggregate classification.
Comment: The CEP290 c.6571C>G variant is predicted to result in the amino acid substitution p.His2191Asp. To our knowledge, this variant has not been reported in the literature. This variant is reported in 0.00093% of alleles in individuals of European (Non-Finnish) descent in gnomAD. At this time, the clinical significance of this variant is uncertain due to the absence of conclusive functional and genetic evidence.